The following is an entry in ClinVar:

NM_015221.4(DNMBP):c.2261-21476T>C

Genes: DNMBP (dynamin binding protein; minus strand), DNMBP-AS1 (DNMBP antisense RNA 1; plus strand). Cytogenetic location: 10q24.2.
Variant type: single nucleotide variant.
Coding change: c.2261-21476T>C on transcript NM_015221.4 (MANE Select); 21476 bases into the intron before coding-DNA position 2261, T replaced by C.
Molecular consequence: intron variant. On other transcripts: synonymous variant (1).
Genome position (GRCh38, 1-based): chr10:99,930,622, A>G on the plus strand (T>C on the coding strand, the complement: DNMBP is on the minus strand). VCF-style: chr10-99930622-A-G. GRCh37 (hg19) VCF-style: chr10-101690379-A-G.
Other names: c.142T>C, p.Leu48= (NM_001318326.2).
Identifiers: ClinVar variation 3059290 (VCV003059290.2), dbSNP rs10883428, ClinGen allele CA5645022.
Genomic context (GRCh38, chr10:99,930,622, plus strand): 5'-ATCCACAATCCCTTTTTCTGTAGGGCTGATGCTGTCCCTTGGCCCAGTACCTGGGATCCA[A>G]GTCATTTTCTCTGTAGAGTCCATCCAGCACTGTAAGGTTCCTTTTCCGTACACTCCCGTA-3'

ClinVar aggregate classification (germline): Benign (0 of 4 stars; one submission).

Conditions:
DNMBP-related disorder. Also called: DNMBP-related condition.

Allele frequency attached by ClinVar (database versions not stated): ExAC 0.35417; gnomAD exomes 0.37228; 1000 Genomes Project 0.37740; 1000 Genomes Project 30x 0.38398; gnomAD 0.39841; TOPMed 0.40788.
gnomAD v4.1: 265,881 of 702,500 alleles (38%); highest among the groups gnomAD compares: African/African-American, 47%; 51,166 homozygotes.

Submission:

PreventionGenetics, part of Exact Sciences
Classification: Benign for DNMBP-related condition. Last evaluated: 2019-02-18. Review status: no assertion criteria provided. Collection method: clinical testing. Allele origin: germline.
Comment: This variant is classified as benign based on ACMG/AMP sequence variant interpretation guidelines (Richards et al. 2015 PMID: 25741868, with internal and published modifications).